The following is an entry in ClinVar:

ClinVar aggregate classification (germline): Uncertain significance (1 of 4 stars; one submission).

Allele frequency attached by ClinVar (database versions not stated): ExAC 0.00003; gnomAD exomes 0.00006; gnomAD 0.00010; TOPMed 0.00011; ESP Exome Variant Server 0.00015.
gnomAD v4.1: 280 of 1,614,092 alleles (0.017%); highest among the groups gnomAD compares: Non-Finnish European, 0.023%; no homozygotes.

Submission:

Labcorp Genetics (formerly Invitae), Labcorp
Classification: Uncertain significance. Last evaluated: 2026-01-07. Review status: criteria provided, single submitter. Criteria: Invitae Variant Classification Sherloc (09022015). Collection method: clinical testing. Allele origin: germline.
Comment: This sequence change replaces threonine, which is neutral and polar, with isoleucine, which is neutral and non-polar, at codon 206 of the SIAE protein (p.Thr206Ile). This variant is present in population databases (rs146387036, gnomAD 0.01%). This variant has not been reported in the literature in individuals affected with SIAE-related conditions. ClinVar contains an entry for this variant (Variation ID: 1479265). An algorithm developed to predict the effect of missense changes on protein structure and function (PolyPhen-2) suggests that this variant is likely to be tolerated. In summary, the available evidence is currently insufficient to determine the role of this variant in disease. Therefore, it has been classified as a Variant of Uncertain Significance.

NM_170601.5(SIAE):c.617C>T (p.Thr206Ile)

Gene: SIAE (sialic acid acetylesterase; minus strand). Cytogenetic location: 11q24.2.
Variant type: single nucleotide variant.
Coding change: c.617C>T on transcript NM_170601.5 (MANE Select); coding-DNA position 617, C replaced by T.
Protein change: p.Thr206Ile; replaces threonine 206 with isoleucine.
Molecular consequence: missense variant.
Genome position (GRCh38, 1-based): chr11:124,649,724, G>A on the plus strand (C>T on the coding strand, the complement: SIAE is on the minus strand). VCF-style: chr11-124649724-G-A. GRCh37 (hg19) VCF-style: chr11-124519620-G-A.
Other names: c.512C>T, p.Thr171Ile (NM_001199922.2); short protein forms T206I, T171I.
Identifiers: ClinVar variation 1479265 (VCV001479265.6), dbSNP rs146387036, ClinGen allele CA6341461.